The following is an entry in ClinVar:

ClinVar aggregate classification (germline): Uncertain significance (1 of 4 stars; one submission).

gnomAD v4.1: 88 of 1,609,368 alleles (0.0055%); highest among the groups gnomAD compares: East Asian, 0.056%; no homozygotes.

Submission:

Labcorp Genetics (formerly Invitae), Labcorp
Classification: Uncertain significance. Last evaluated: 2025-01-02. Review status: criteria provided, single submitter. Criteria: Invitae Variant Classification Sherloc (09022015). Collection method: clinical testing. Allele origin: germline.
Comment: This sequence change replaces arginine, which is basic and polar, with histidine, which is basic and polar, at codon 169 of the VPS13C protein (p.Arg169His). This variant is present in population databases (rs201028815, gnomAD 0.05%). This variant has not been reported in the literature in individuals affected with VPS13C-related conditions. An algorithm developed to predict the effect of missense changes on protein structure and function outputs the following: PolyPhen-2: "Benign". The histidine amino acid residue is found in multiple mammalian species, which suggests that this missense change does not adversely affect protein function. In summary, the available evidence is currently insufficient to determine the role of this variant in disease. Therefore, it has been classified as a Variant of Uncertain Significance.

NM_020821.3(VPS13C):c.506G>A (p.Arg169His)

Gene: VPS13C (vacuolar protein sorting 13 homolog C; minus strand). Cytogenetic location: 15q22.2.
Variant type: single nucleotide variant.
Coding change: c.506G>A on transcript NM_020821.3 (MANE Select); coding-DNA position 506, G replaced by A.
Protein change: p.Arg169His; replaces arginine 169 with histidine.
Molecular consequence: missense variant. On other transcripts: intron variant (2).
Genome position (GRCh38, 1-based): chr15:62,023,788, C>T on the plus strand (G>A on the coding strand, the complement: VPS13C is on the minus strand). VCF-style: chr15-62023788-C-T. GRCh37 (hg19) VCF-style: chr15-62315987-C-T.
Other names: c.506G>A, p.Arg169His (NM_001018088.3); c.386-268G>A (NM_017684.5, NM_018080.4); short protein forms R169H.
Identifiers: ClinVar variation 3608361 (VCV003608361.1).